The following is an entry in ClinVar:

NC_000023.11:g.(17649001_17737000)del

Gene: NHS (NHS actin remodeling regulator; plus strand).
Variant type: Deletion.
Identifiers: ClinVar variation 4796507 (VCV004796507.1).

ClinVar aggregate classification (germline): Pathogenic (1 of 4 stars; one submission).

Conditions:
Anophthalmia-microphthalmia syndrome. Also called: Anophthalmia - microphthalmia; Anophthalmia/Microphthalmia. Identifiers: Orphanet 98555, MedGen C5680330, MONDO:0020147.

Submission:

Genetics Department, University Hospital of Toulouse
Classification: Pathogenic for Anophthalmia-microphthalmia syndrome. Last evaluated: 2025-10-05. Review status: criteria provided, single submitter. Criteria: ACMG/ClinGen CNV Guidelines, 2019. Collection method: clinical testing. Allele origin: de novo. Affected: yes.
Comment: The deletion contains NHS. It was found de novo. It was classified as P (1A, 2D-4, 3A, 5A, score 1.35).